The following is an entry in ClinVar:

NM_033109.5(PNPT1):c.1174_1175del (p.Gln392fs)

Gene: PNPT1 (polyribonucleotide nucleotidyltransferase 1; minus strand). Cytogenetic location: 2p16.1.
Variant type: Microsatellite.
Coding change: c.1174_1175del on transcript NM_033109.5 (MANE Select); coding-DNA positions 1174 to 1175, 2 bases deleted (CA; older notation c.1174_1175delCA).
Protein change: p.Gln392fs; shifts the reading frame from glutamine 392.
Molecular consequence: frameshift variant.
Genome position (GRCh38, 1-based): chr2:55,666,992-55,666,993, TG deleted on the plus strand (CA on the coding strand, the reverse complement: PNPT1 is on the minus strand); deleting any 2 consecutive bases within chr2:55,666,992-55,666,996 gives the same sequence; the c. name uses the placement nearest the transcript's 3' end. VCF-style (leftmost placement, unchanged base first): chr2-55666991-CTG-C. GRCh37 (hg19) VCF-style: chr2-55894126-CTG-C.
Other names: c.1174_1175delCA (NM_033109.4); short protein forms Q392fs.
Identifiers: ClinVar variation 419024 (VCV000419024.8), dbSNP rs1064793593, ClinGen allele CA16617741.

ClinVar aggregate classification (germline): Pathogenic. Review status: criteria provided, multiple submitters, no conflicts (2 of 4 stars). 2 submissions from 2 submitters: Pathogenic (2). Last evaluated 2026-07-31.

Submissions (2):

GeneDx
Classification: Pathogenic. Last evaluated: 2026-07-31. Review status: criteria provided, single submitter. Criteria: GeneDx Variant Classification Process June 2021. Collection method: clinical testing. Allele origin: germline.
Comment: Frameshift variant predicted to result in protein truncation or nonsense mediated decay in a gene for which loss of function is a known mechanism of disease; Not observed at significant frequency in large population cohorts (gnomAD); Has not been previously published as pathogenic or benign to our knowledge

Labcorp Genetics (formerly Invitae), Labcorp
Classification: Pathogenic. Last evaluated: 2024-03-21. Review status: criteria provided, single submitter. Criteria: Invitae Variant Classification Sherloc (09022015). Collection method: clinical testing. Allele origin: germline.
Comment: This sequence change creates a premature translational stop signal (p.Gln392Glyfs*8) in the PNPT1 gene. It is expected to result in an absent or disrupted protein product. Loss-of-function variants in PNPT1 are known to be pathogenic (PMID: 28594066, 30244537). This variant is not present in population databases (gnomAD no frequency). This variant has not been reported in the literature in individuals affected with PNPT1-related conditions. ClinVar contains an entry for this variant (Variation ID: 419024). For these reasons, this variant has been classified as Pathogenic.

Literature cited by the submitters: PubMed 28594066 (cited by Labcorp Genetics (formerly Invitae), Labcorp); PubMed 30244537 (cited by Labcorp Genetics (formerly Invitae), Labcorp).